The following is an entry in ClinVar:

ClinVar aggregate classification (germline): Likely benign (0 of 4 stars; one submission).

Conditions:
COL1A1-related disorder. Also called: COL1A1- related disease; COL1A1-related condition.

Submission:

PreventionGenetics, part of Exact Sciences
Classification: Likely benign for COL1A1-related condition. Last evaluated: 2022-12-19. Review status: no assertion criteria provided. Collection method: clinical testing. Allele origin: germline.
Comment: This variant is classified as likely benign based on ACMG/AMP sequence variant interpretation guidelines (Richards et al. 2015 PMID: 25741868, with internal and published modifications).

NM_000088.4(COL1A1):c.*244del

Gene: COL1A1 (collagen type I alpha 1 chain; minus strand). Cytogenetic location: 17q21.33.
Variant type: Deletion.
Coding change: c.*244del on transcript NM_000088.4 (MANE Select); 244 bases downstream of the stop codon, one base deleted (A; older notation c.*244delA).
Molecular consequence: 3 prime UTR variant.
Genome position (GRCh38, 1-based): chr17:50,185,258, T deleted on the plus strand (A on the coding strand, the reverse complement: COL1A1 is on the minus strand); the first of 19 consecutive T bases (chr17:50,185,258-50,185,276); deleting any one gives the same sequence. VCF-style (leftmost placement, unchanged base first): chr17-50185257-CT-C. GRCh37 (hg19) VCF-style: chr17-48262618-CT-C.
Other names: c.*244delA (NM_000088.3).
Identifiers: ClinVar variation 3051830 (VCV003051830.2), dbSNP rs56302025, ClinGen allele CA772779672.
Genomic context (GRCh38, chr17:50,185,257, plus strand): 5'-CCGCATGGGTCTTCAAGCAAGTGGACCAAGCTTCCTTTTTTAAAAAGTTATTTATTTATT[CT>C]TTTTTTTTTTTTTTTTTTGGTAAGGTTGAATGCACTTTTGGTTTTTGGTCATGTTCGGTT-3'